The following is an entry in ClinVar:

NM_003072.5(SMARCA4):c.870del (p.Asn291fs)

Gene: SMARCA4 (SWI/SNF related BAF chromatin remodeling complex subunit ATPase 4; plus strand). Cytogenetic location: 19p13.2.
Variant type: Deletion.
Coding change: c.870del on transcript NM_003072.5 (MANE Select); coding-DNA position 870, one base deleted (G; older notation c.870delG).
Protein change: p.Asn291fs; shifts the reading frame from asparagine 291.
Molecular consequence: frameshift variant. On other transcripts: non-coding transcript variant (1).
Genome position (GRCh38, 1-based): chr19:10,987,676, G deleted. VCF-style (leftmost placement, unchanged base first): chr19-10987675-CG-C. GRCh37 (hg19) VCF-style: chr19-11098351-CG-C.
Other names: c.870del, p.Asn291fs (NM_001128844.3, NM_001128845.2, NM_001128846.2 and 5 more transcripts); c.870delG, p.Asn291Metfs (NM_001411150.1); short protein forms N291fs.
Identifiers: ClinVar variation 2028951 (VCV002028951.4), dbSNP rs2514039500, ClinGen allele CA2580096300.

ClinVar aggregate classification (germline): Pathogenic (1 of 4 stars; one submission).

Conditions:
Rhabdoid tumor predisposition syndrome 2 (RTPS2). Identifiers: Orphanet 231108, Orphanet 69077, MedGen C2750074, MONDO:0013224, OMIM 613325.

Submission:

Labcorp Genetics (formerly Invitae), Labcorp
Classification: Pathogenic for Rhabdoid tumor predisposition syndrome 2. Last evaluated: 2022-09-04. Review status: criteria provided, single submitter. Criteria: Invitae Variant Classification Sherloc (09022015). Collection method: clinical testing. Allele origin: germline.
Comment: For these reasons, this variant has been classified as Pathogenic. This variant has not been reported in the literature in individuals affected with SMARCA4-related conditions. This variant is not present in population databases (gnomAD no frequency). This sequence change creates a premature translational stop signal (p.Asn291Metfs*12) in the SMARCA4 gene. It is expected to result in an absent or disrupted protein product. Loss-of-function variants in SMARCA4 are known to be pathogenic (PMID: 24658001, 24658002).

Literature cited by the submitters: PubMed 24658001; PubMed 24658002.